The following is an entry in ClinVar:

ClinVar aggregate classification (germline): Uncertain significance (1 of 4 stars; one submission).

Submission:

ISCA Site 6
Classification: Uncertain significance. Last evaluated: 2011-08-12. Review status: criteria provided, single submitter. Criteria: Kaminsky et al. (Genet Med. 2011). Collection method: clinical testing. Allele origin: maternal, de novo. Affected: yes. Observed: 2 variant alleles.
Comment: Copy number variation identified through the course of routine clinical cytogenomic testing in postnatal populations. Clinical assertions have been curated as described in Kaminsky et al. 2011.

GRCh38/hg38 3p14.3-14.2(chr3:58532827-60193441)x3

Genes: FAM3D-AS1 (FAM3D antisense RNA 1; plus strand), ACOX2 (acyl-CoA oxidase 2; minus strand), CFAP20DC (CFAP20 domain containing; minus strand), CFAP20DC-AS1 (CFAP20DC antisense RNA 1; plus strand), FAM107A (family with sequence similarity 107 member A; minus strand) and 19 more. Cytogenetic location: 3p14.3-14.2.
Variant type: copy number gain.
Change: copy number 3 (three copies instead of two) of chr3:58,532,827-60,193,441 (1.66 Mb, GRCh38 coordinates, 1-based), cytogenetic band 3p14.3-14.2.
Identifiers: ClinVar variation 57730 (VCV000057730.2).